The following is an entry in ClinVar:

ClinVar aggregate classification (germline): Likely pathogenic (1 of 4 stars; one submission).

Conditions:
Autosomal recessive nonsyndromic hearing loss 3. Also called: NEUROSENSORY NONSYNDROMIC RECESSIVE DEAFNESS 3. Identifiers: Orphanet 90636, MedGen C1838263, MONDO:0010860, OMIM 600316.

gnomAD v4.1: 6 of 1,582,012 alleles (0.00038%); highest among the groups gnomAD compares: African/African-American, 0.0013%; no homozygotes.

Submission:

Department of Otolaryngology-Head and Neck Surgery, Shanghai Jiao Tong University Affiliated Sixth People’s Hospital
Classification: Likely pathogenic for Autosomal recessive nonsyndromic hearing loss 3. Review status: criteria provided, single submitter. Criteria: ACMG Guidelines, 2015. Collection method: provider interpretation. Allele origin: germline. Affected: yes. Observed: 1 variant allele, 1 compound heterozygote.
Comment: This variant was classified as likely pathogenic based on the following ACMG criteria for autosomal recessive hereditary deafness: PM2 (Moderate): This variant is rare and absent or extremely low in population databases including gnomAD, consistent with the characteristics of a rare pathogenic variant. PP1_Strong (Strong): Clear genotype-phenotype cosegregation was observed in this pedigree consistent with autosomal recessive inheritance. PP4 (Supporting): The clinical phenotype of congenital sensorineural deafness in affected individuals is highly consistent with the typical clinical manifestations of MYO15A-related autosomal recessive non-syndromic hearing loss (DFNB3).

NM_016239.4(MYO15A):c.7395+6T>G

Gene: MYO15A (myosin XVA; plus strand). Cytogenetic location: 17p11.2.
Variant type: single nucleotide variant.
Coding change: c.7395+6T>G on transcript NM_016239.4 (MANE Select); 6 bases into the intron after coding-DNA position 7395, T replaced by G.
Molecular consequence: intron variant.
Genome position (GRCh38, 1-based): chr17:18,150,771, T>G. VCF-style: chr17-18150771-T-G. GRCh37 (hg19) VCF-style: chr17-18054085-T-G.
Identifiers: ClinVar variation 4857367 (VCV004857367.1).